The following is an entry in ClinVar:

ClinVar aggregate classification (germline): Likely benign (1 of 4 stars; one submission).

Submission:

CeGaT Center for Human Genetics Tuebingen
Classification: Likely benign. Last evaluated: 2022-12-01. Review status: criteria provided, single submitter. Criteria: CeGaT Center For Human Genetics Tuebingen Variant Classification Criteria Version 2. Collection method: clinical testing. Allele origin: germline. Affected: yes. Observed: 1 variant allele.
Comment: ULK3: PM2:Supporting, BP4, BP7

NM_001099436.4(ULK3):c.852A>G (p.Ala284=)

Gene: ULK3 (unc-51 like kinase 3; minus strand). Cytogenetic location: 15q24.1.
Variant type: single nucleotide variant.
Coding change: c.852A>G on transcript NM_001099436.4 (MANE Select); coding-DNA position 852, A replaced by G.
Protein change: p.Ala284=; no amino-acid change (alanine 284 retained).
Molecular consequence: synonymous variant. On other transcripts: non-coding transcript variant (3).
Genome position (GRCh38, 1-based): chr15:74,839,558, T>C on the plus strand (A>G on the coding strand, the complement: ULK3 is on the minus strand). VCF-style: chr15-74839558-T-C. GRCh37 (hg19) VCF-style: chr15-75131899-T-C.
Other names: c.852A>G, p.Ala284= (NM_001284364.3); c.501A>G, p.Ala167= (NM_001284365.3); c.885A>G, p.Ala295= (NM_001411082.1); c.*388A>G (NM_015518.1).
Identifiers: ClinVar variation 2645547 (VCV002645547.24), dbSNP rs1215287061, ClinGen allele CA491238485.